The following is an entry in ClinVar:

NM_177438.3(DICER1):c.3272dup (p.Tyr1091Ter)

Gene: DICER1 (dicer 1, ribonuclease III; minus strand). Cytogenetic location: 14q32.13.
Variant type: Duplication.
Coding change: c.3272dup on transcript NM_177438.3 (MANE Select); coding-DNA position 3272, one base duplicated (A; older notation c.3272dupA).
Protein change: p.Tyr1091Ter; replaces tyrosine 1091 with a stop codon.
Molecular consequence: nonsense. On other transcripts: non-coding transcript variant (4).
Genome position (GRCh38, 1-based): chr14:95,104,124, T duplicated on the plus strand (A on the coding strand, the reverse complement: DICER1 is on the minus strand). VCF-style (leftmost placement, unchanged base first): chr14-95104123-G-GT. GRCh37 (hg19) VCF-style: chr14-95570460-G-GT.
Other names: c.3272dup, p.Tyr1091Ter (NM_001195573.1, NM_001271282.3, NM_001291628.2 and 12 more transcripts); c.2990dup, p.Tyr997Ter (NM_001395686.1); c.2867dup, p.Tyr956Ter (NM_001395687.1, NM_001395688.1, NM_001395689.1 and 2 more transcripts); c.2705dup, p.Tyr902Ter (NM_001395691.1); c.1589dup, p.Tyr530Ter (NM_001395697.1); short protein forms Y1091*, Y530*, Y902*, Y956*, Y997*.
Identifiers: ClinVar variation 3393368 (VCV003393368.1).

ClinVar aggregate classification (germline): Likely pathogenic (1 of 4 stars; one submission).

Conditions:
Hereditary cancer-predisposing syndrome. Also called: Hereditary Cancer Syndrome; Tumor predisposition; Hereditary neoplastic syndrome; Neoplastic Syndromes, Hereditary. Identifiers: Orphanet 140162, MedGen C0027672, MeSH D009386, MONDO:0015356.

Submission:

Hereditary Cancer Group, L’Institut d'Investigació Biomèdica de Bellvitge
Classification: Likely pathogenic for Hereditary cancer-predisposing syndrome. Last evaluated: 2024-12-19. Review status: criteria provided, single submitter. Criteria: Hatton et al. (Hum Mutat. 2023). Collection method: clinical testing. Allele origin: germline. Inheritance: Autosomal dominant inheritance. Affected: yes.
Comment: PVS1, PM2_supporting